The following is an entry in ClinVar:

NM_000092.5(COL4A4):c.3739A>C (p.Thr1247Pro)

Gene: COL4A4 (collagen type IV alpha 4 chain; minus strand). Cytogenetic location: 2q36.3.
Variant type: single nucleotide variant.
Coding change: c.3739A>C on transcript NM_000092.5 (MANE Select); coding-DNA position 3739, A replaced by C.
Protein change: p.Thr1247Pro; replaces threonine 1247 with proline.
Molecular consequence: missense variant.
Genome position (GRCh38, 1-based): chr2:227,032,023, T>G on the plus strand (A>C on the coding strand, the complement: COL4A4 is on the minus strand). VCF-style: chr2-227032023-T-G. GRCh37 (hg19) VCF-style: chr2-227896739-T-G.
Other names: short protein forms T1247P.
Identifiers: ClinVar variation 3686091 (VCV003686091.2).

ClinVar aggregate classification (germline): Uncertain significance (1 of 4 stars; one submission).

gnomAD v4.1: 9 of 1,614,096 alleles (0.00056%); highest among the groups gnomAD compares: Non-Finnish European, 0.00076%; no homozygotes.

Submission:

Labcorp Genetics (formerly Invitae), Labcorp
Classification: Uncertain significance. Last evaluated: 2024-12-30. Review status: criteria provided, single submitter. Criteria: Invitae Variant Classification Sherloc (09022015). Collection method: clinical testing. Allele origin: germline.
Comment: This sequence change replaces threonine, which is neutral and polar, with proline, which is neutral and non-polar, at codon 1247 of the COL4A4 protein (p.Thr1247Pro). This variant is not present in population databases (gnomAD no frequency). This variant has not been reported in the literature in individuals affected with COL4A4-related conditions. Invitae Evidence Modeling of protein sequence and biophysical properties (such as structural, functional, and spatial information, amino acid conservation, physicochemical variation, residue mobility, and thermodynamic stability) indicates that this missense variant is not expected to disrupt COL4A4 protein function with a negative predictive value of 95%. In summary, the available evidence is currently insufficient to determine the role of this variant in disease. Therefore, it has been classified as a Variant of Uncertain Significance.